The following is an entry in ClinVar:

ClinVar aggregate classification (germline): Uncertain significance. Review status: criteria provided, multiple submitters, no conflicts (2 of 4 stars). 2 submissions from 2 submitters: Uncertain significance (2). Last evaluated 2026-05-05.

Conditions:
Type 2 diabetes mellitus. Also called: Type II diabetes mellitus. Identifiers: MedGen C0011860, MeSH D003924, MONDO:0005148, OMIM 125853, HP:0005978.
Leucine-induced hypoglycemia (LIH). Also called: LEUCINE-SENSITIVE HYPOGLYCEMIA OF INFANCY. Identifiers: MedGen C0271714, MONDO:0009415, OMIM 240800.
Diabetes mellitus, permanent neonatal 3. Also called: ABCC8-Related Permanent Neonatal Diabetes Mellitus. Identifiers: MedGen C5394303, MONDO:0030088, OMIM 618857.
Diabetes mellitus, transient neonatal, 2 (TNDM2). Identifiers: Orphanet 99886, MedGen C1835887, MONDO:0012480, OMIM 610374. Disease mechanism: loss of function.
Hyperinsulinemic hypoglycemia, familial, 1 (HHF1). Also called: NESIDIOBLASTOSIS OF PANCREAS; Persistent hyperinsulinemic hypoglycemia of infancy; HYPERINSULINISM, FAMILIAL, WITH PANCREATIC NESIDIOBLASTOSIS; HYPOGLYCEMIA, HYPERINSULINEMIC, OF INFANCY; Persistent Hyperinsulinemia Hypoglycemia of Infancy. Identifiers: Orphanet 276575, Orphanet 276598, MedGen C2931832, MONDO:0009734, OMIM 256450.

gnomAD v4.1: 20 of 1,613,886 alleles (0.0012%); highest among the groups gnomAD compares: African/African-American, 0.013%; no homozygotes.

Submissions (2):

Women's Health and Genetics/Laboratory Corporation of America, LabCorp
Classification: Uncertain significance. Last evaluated: 2026-05-05. Review status: criteria provided, single submitter. Criteria: LabCorp Variant Classification Summary - May 2015. Collection method: clinical testing. Allele origin: germline.
Comment: Variant summary: ABCC8 c.2114G>A (p.Arg705Gln) results in a conservative amino acid change located in the ABC transporter (IPR003439) of the encoded protein sequence. Algorithms developed to predict the effect of missense changes on protein structure and function are either unavailable or do not agree on the potential impact of this missense change. The variant allele was found at a frequency of 1.6e-05 in 250662 control chromosomes (gnomAD). The available data on variant occurrences in the general population are insufficient to allow any conclusion about variant significance. c.2114G>A has been reported in the literature in individuals with maturity-onset diabetes of the young (MODY) (e.g., Yu_2023, Yu_2025). It has also been identified in one individual with atrioventricular nodal reentry tachycardia (Luo_2020). These reports do not provide unequivocal conclusions about association of the variant with Familial Hyperinsulinism. To our knowledge, no experimental evidence demonstrating an impact on protein function has been reported. The following publications have been ascertained in the context of this evaluation (PMID: 32508047, 37327085, 40178110). ClinVar contains an entry for this variant (Variation ID: 3599377). Based on the evidence outlined above, the variant was classified as uncertain significance.

Fulgent Genetics
Classification: Uncertain significance for Type 2 diabetes mellitus; Leucine-induced hypoglycemia; Hyperinsulinemic hypoglycemia, familial, 1; Diabetes mellitus, transient neonatal, 2; Diabetes mellitus, permanent neonatal 3. Last evaluated: 2024-06-18. Review status: criteria provided, single submitter. Criteria: ACMG Guidelines, 2015. Collection method: clinical testing. Allele origin: germline.

Literature cited by the submitters: PubMed 32508047 (cited by Women's Health and Genetics/Laboratory Corporation of America, LabCorp); PubMed 37327085 (cited by Women's Health and Genetics/Laboratory Corporation of America, LabCorp); PubMed 40178110 (cited by Women's Health and Genetics/Laboratory Corporation of America, LabCorp).

NM_000352.6(ABCC8):c.2114G>A (p.Arg705Gln)

Gene: ABCC8 (ATP binding cassette subfamily C member 8; minus strand). Cytogenetic location: 11p15.1.
Variant type: single nucleotide variant.
Coding change: c.2114G>A on transcript NM_000352.6 (MANE Select); coding-DNA position 2114, G replaced by A.
Protein change: p.Arg705Gln; replaces arginine 705 with glutamine.
Molecular consequence: missense variant. On other transcripts: non-coding transcript variant (1).
Genome position (GRCh38, 1-based): chr11:17,427,869, C>T on the plus strand (G>A on the coding strand, the complement: ABCC8 is on the minus strand). VCF-style: chr11-17427869-C-T. GRCh37 (hg19) VCF-style: chr11-17449416-C-T.
Other names: c.2114G>A, p.Arg705Gln (NM_001287174.3); c.2180G>A, p.Arg727Gln (NM_001351295.2); c.2111G>A, p.Arg704Gln (NM_001351296.2, NM_001351297.2); short protein forms R727Q, R705Q, R704Q.
Identifiers: ClinVar variation 3599377 (VCV003599377.3).